The following is an entry in ClinVar:

NM_025179.4(PLXNA2):c.177G>A (p.Thr59=)

Gene: PLXNA2 (plexin A2; minus strand). Cytogenetic location: 1q32.2.
Variant type: single nucleotide variant.
Coding change: c.177G>A on transcript NM_025179.4 (MANE Select); coding-DNA position 177, G replaced by A.
Protein change: p.Thr59=; no amino-acid change (threonine 59 retained).
Molecular consequence: synonymous variant.
Genome position (GRCh38, 1-based): chr1:208,217,746, C>T on the plus strand (G>A on the coding strand, the complement: PLXNA2 is on the minus strand). VCF-style: chr1-208217746-C-T. GRCh37 (hg19) VCF-style: chr1-208391091-C-T.
Identifiers: ClinVar variation 3350382 (VCV003350382.1).

ClinVar aggregate classification (germline): Likely benign (0 of 4 stars; one submission).

Conditions:
PLXNA2-related disorder. Also called: PLXNA2-related condition.

gnomAD v4.1: 8 of 1,614,108 alleles (0.0005%); highest among the groups gnomAD compares: East Asian, 0.0067%; no homozygotes.

Submission:

PreventionGenetics, part of Exact Sciences
Classification: Likely benign for PLXNA2-related condition. Last evaluated: 2021-10-05. Review status: no assertion criteria provided. Collection method: clinical testing. Allele origin: germline.
Comment: This variant is classified as likely benign based on ACMG/AMP sequence variant interpretation guidelines (Richards et al. 2015 PMID: 25741868, with internal and published modifications).